The following is an entry in ClinVar:

ClinVar aggregate classification (germline): Pathogenic (1 of 4 stars; one submission).

Conditions:
Familial adenomatous polyposis 1 (FAP1). Also called: FAMILIAL ADENOMATOUS POLYPOSIS 1, ATTENUATED; POLYPOSIS, ADENOMATOUS INTESTINAL. Identifiers: MedGen C2713442, MONDO:0021056, OMIM 175100. Disease mechanism: loss of function.

Submission:

Myriad Genetics, Inc.
Classification: Pathogenic for Familial adenomatous polyposis 1. Last evaluated: 2023-05-15. Review status: criteria provided, single submitter. Criteria: Myriad Autosomal Dominant, Autosomal Recessive and X-Linked Classification Criteria (2023). Collection method: clinical testing. Allele origin: unknown.
Comment: This variant is considered pathogenic. This variant creates a frameshift predicted to result in premature protein truncation.

NM_000038.6(APC):c.5850del (p.Lys1950fs)

Gene: APC (APC regulator of Wnt signaling pathway; plus strand). Cytogenetic location: 5q22.2.
Variant type: Deletion.
Coding change: c.5850del on transcript NM_000038.6 (MANE Select); coding-DNA position 5850, one base deleted (G; older notation c.5850delG).
Protein change: p.Lys1950fs; shifts the reading frame from lysine 1950.
Molecular consequence: frameshift variant. On other transcripts: non-coding transcript variant (2).
Genome position (GRCh38, 1-based): chr5:112,841,444, G deleted. VCF-style (leftmost placement, unchanged base first): chr5-112841443-AG-A. GRCh37 (hg19) VCF-style: chr5-112177140-AG-A.
Other names: c.5850del, p.Lys1950fs (NM_001127510.3, NM_001354895.2, NM_001407450.1); c.5796del, p.Lys1932fs (NM_001127511.3); c.5904del, p.Lys1968fs (NM_001354896.2, NM_001407447.1, NM_001407448.1 and 1 more transcripts); c.5880del, p.Lys1960fs (NM_001354897.2); c.5775del, p.Lys1925fs (NM_001354898.2); c.5766del, p.Lys1922fs (NM_001354899.2); c.5727del, p.Lys1909fs (NM_001354900.2); c.5673del, p.Lys1891fs (NM_001354901.2, NM_001407453.1); and 11 more; short protein forms K1566fs, K1667fs, K1790fs, K1821fs, K1824fs, K1849fs, K1859fs, K1867fs.
Identifiers: ClinVar variation 2584200 (VCV002584200.2), dbSNP rs2533672130, ClinGen allele CA2582341482.